The following is an entry in ClinVar:

ClinVar aggregate classification (germline): Pathogenic/Likely pathogenic. Review status: criteria provided, multiple submitters, no conflicts (2 of 4 stars). 2 submissions from 2 submitters: Pathogenic (1); Likely pathogenic (1). Last evaluated 2024-06-10.

Conditions:
Long chain 3-hydroxyacyl-CoA dehydrogenase deficiency. Also called: Deficiency of long-chain 3-hydroxyacyl-coenzyme A dehydrogenase; LCHAD Deficiency. Identifiers: Orphanet 5, MedGen C3711645, MONDO:0012173, OMIM 609016.
Mitochondrial trifunctional protein deficiency. Identifiers: Orphanet 746, MedGen C1969443, MONDO:0012172.
Mitochondrial trifunctional protein deficiency 1 (MTPD1). Identifiers: MedGen CN376812, MONDO:0958181, OMIM 609015.

Submissions (2):

Fulgent Genetics
Classification: Likely pathogenic for Mitochondrial trifunctional protein deficiency 1; Long chain 3-hydroxyacyl-CoA dehydrogenase deficiency. Last evaluated: 2024-06-10. Review status: criteria provided, single submitter. Criteria: ACMG Guidelines, 2015. Collection method: clinical testing. Allele origin: germline.

Labcorp Genetics (formerly Invitae), Labcorp
Classification: Pathogenic for Mitochondrial trifunctional protein deficiency; Long chain 3-hydroxyacyl-CoA dehydrogenase deficiency. Last evaluated: 2023-01-12. Review status: criteria provided, single submitter. Criteria: Invitae Variant Classification Sherloc (09022015). Collection method: clinical testing. Allele origin: germline.
Comment: This sequence change affects a donor splice site in intron 18 of the HADHA gene. It is expected to disrupt RNA splicing. Variants that disrupt the donor or acceptor splice site typically lead to a loss of protein function (PMID: 16199547), and loss-of-function variants in HADHA are known to be pathogenic (PMID: 7738175, 21103935, 21549624, 22459206). This variant is not present in population databases (gnomAD no frequency). For these reasons, this variant has been classified as Pathogenic. Algorithms developed to predict the effect of sequence changes on RNA splicing suggest that this variant may disrupt the consensus splice site. This variant is also known as IVS18+1G>A. Disruption of this splice site has been observed in individual(s) with mitochondrial trifunctional protein deficiency (PMID: 14630990).

Literature cited by the submitters: PubMed 16199547 (cited by Labcorp Genetics (formerly Invitae), Labcorp); PubMed 7738175 (cited by Labcorp Genetics (formerly Invitae), Labcorp); PubMed 21103935 (cited by Labcorp Genetics (formerly Invitae), Labcorp); PubMed 21549624 (cited by Labcorp Genetics (formerly Invitae), Labcorp); PubMed 22459206 (cited by Labcorp Genetics (formerly Invitae), Labcorp); PubMed 14630990 (cited by Labcorp Genetics (formerly Invitae), Labcorp).

NM_000182.5(HADHA):c.2000+1G>A

Genes: HADHA (hydroxyacyl-CoA dehydrogenase trifunctional multienzyme complex subunit alpha; minus strand), GAREM2 (GRB2 associated regulator of MAPK1 subtype 2; plus strand). Cytogenetic location: 2p23.3.
Variant type: single nucleotide variant.
Coding change: c.2000+1G>A on transcript NM_000182.5 (MANE Select); the canonical splice donor site of the intron after coding-DNA position 2000, G replaced by A.
Molecular consequence: splice donor variant.
Genome position (GRCh38, 1-based): chr2:26,192,309, C>T on the plus strand (G>A on the coding strand, the complement: HADHA is on the minus strand). VCF-style: chr2-26192309-C-T. GRCh37 (hg19) VCF-style: chr2-26415178-C-T.
Identifiers: ClinVar variation 1979591 (VCV001979591.5), dbSNP rs1167218743, ClinGen allele CA346114170.
Genomic context (GRCh38, chr2:26,192,309, plus strand): 5'-GGAAGCTTTGGGCTGTCAGAGAAAGTCAATTTCCAGGCATTAGCCACTCAAACGGACTTA[C>T]ACTTCAGACTTAGGAGGCAGCTTCAGACTCGCTAAAATACTATCCATGTCAGAATTCAAA-3'